The following is an entry in ClinVar:

NM_001378120.1(MBD5):c.2381G>T (p.Gly794Val)

Gene: MBD5 (methyl-CpG binding domain protein 5; plus strand). Cytogenetic location: 2q23.1.
Variant type: single nucleotide variant.
Coding change: c.2381G>T on transcript NM_001378120.1 (MANE Select); coding-DNA position 2381, G replaced by T.
Protein change: p.Gly794Val; replaces glycine 794 with valine.
Molecular consequence: missense variant.
Genome position (GRCh38, 1-based): chr2:148,470,324, G>T. VCF-style: chr2-148470324-G-T. GRCh37 (hg19) VCF-style: chr2-149227893-G-T.
Other names: c.2381G>T, p.Gly794Val (NM_018328.5); short protein forms G794V.
Identifiers: ClinVar variation 2831179 (VCV002831179.3), dbSNP rs369612300, ClinGen allele CA348721744.

ClinVar aggregate classification (germline): Uncertain significance (1 of 4 stars; one submission).

Conditions:
Intellectual developmental disorder, autosomal dominant 1. Also called: MBD5 Haploinsufficiency; Intellectual disability, autosomal dominant 1. Identifiers: Orphanet 228402, MedGen C1969562, MONDO:0007974, OMIM 156200.

Submission:

Labcorp Genetics (formerly Invitae), Labcorp
Classification: Uncertain significance for Intellectual developmental disorder, autosomal dominant 1. Last evaluated: 2024-08-10. Review status: criteria provided, single submitter. Criteria: Invitae Variant Classification Sherloc (09022015). Collection method: clinical testing. Allele origin: germline.
Comment: This sequence change replaces glycine, which is neutral and non-polar, with valine, which is neutral and non-polar, at codon 794 of the MBD5 protein (p.Gly794Val). This variant is not present in population databases (gnomAD no frequency). This variant has not been reported in the literature in individuals affected with MBD5-related conditions. Advanced modeling of protein sequence and biophysical properties (such as structural, functional, and spatial information, amino acid conservation, physicochemical variation, residue mobility, and thermodynamic stability) performed at Invitae indicates that this missense variant is not expected to disrupt MBD5 protein function with a negative predictive value of 80%. In summary, the available evidence is currently insufficient to determine the role of this variant in disease. Therefore, it has been classified as a Variant of Uncertain Significance.